The following is an entry in ClinVar:

ClinVar aggregate classification (germline): Pathogenic/Likely pathogenic. Review status: criteria provided, multiple submitters, no conflicts (2 of 4 stars). 2 submissions from 2 submitters: Pathogenic (1); Likely pathogenic (1). Last evaluated 2025-01-27.

Conditions:
Microcephaly-intellectual disability-sensorineural hearing loss-epilepsy-abnormal muscle tone syndrome (NEDHSB). Also called: NEURODEVELOPMENTAL DISORDER WITH HEARING LOSS, SEIZURES, AND BRAIN ABNORMALITIES. Identifiers: Orphanet 457351, MedGen C4225276, MONDO:0014698, OMIM 616577.

Allele frequency attached by ClinVar (database versions not stated): TOPMed 0.00002; gnomAD 0.00003.
gnomAD v4.1: 15 of 1,613,920 alleles (0.00093%); highest among the groups gnomAD compares: East Asian, 0.0045%; no homozygotes.

Submissions (2):

Labcorp Genetics (formerly Invitae), Labcorp
Classification: Pathogenic for Microcephaly-intellectual disability-sensorineural hearing loss-epilepsy-abnormal muscle tone syndrome. Last evaluated: 2025-01-27. Review status: criteria provided, single submitter. Criteria: Invitae Variant Classification Sherloc (09022015). Collection method: clinical testing. Allele origin: germline.
Comment: This sequence change creates a premature translational stop signal (p.Arg194*) in the SPATA5 gene. It is expected to result in an absent or disrupted protein product. Loss-of-function variants in SPATA5 are known to be pathogenic (PMID: 26299366). This variant is present in population databases (rs770353140, gnomAD 0.01%). This variant has not been reported in the literature in individuals affected with SPATA5-related conditions. ClinVar contains an entry for this variant (Variation ID: 969483). Algorithms developed to predict the effect of sequence changes on RNA splicing suggest that this variant may create or strengthen a splice site. For these reasons, this variant has been classified as Pathogenic.

Juno Genomics, Hangzhou Juno Genomics, Inc
Classification: Likely pathogenic for Microcephaly-intellectual disability-sensorineural hearing loss-epilepsy-abnormal muscle tone syndrome. Review status: criteria provided, single submitter. Criteria: ACMG Guidelines, 2015. Collection method: clinical testing. Allele origin: germline.
Comment: Null variant in a gene where loss of function (LOF) is a known mechanism of disease.;Absent from controls (or at extremely low frequency if recessive) in Genome Aggregation Database.

Literature cited by the submitters: PubMed 26299366 (cited by Labcorp Genetics (formerly Invitae), Labcorp).

NM_145207.3(AFG2A):c.580C>T (p.Arg194Ter)

Gene: AFG2A (AAA ATPase AFG2A; plus strand). Cytogenetic location: 4q28.1.
Variant type: single nucleotide variant.
Coding change: c.580C>T on transcript NM_145207.3 (MANE Select); coding-DNA position 580, C replaced by T.
Protein change: p.Arg194Ter; replaces arginine 194 with a stop codon.
Molecular consequence: nonsense.
Genome position (GRCh38, 1-based): chr4:122,934,171, C>T. VCF-style: chr4-122934171-C-T. GRCh37 (hg19) VCF-style: chr4-123855326-C-T.
Other names: c.577C>T, p.Arg193Ter (NM_001317799.2, NM_001345856.2); short protein forms R194*, R193*.
Identifiers: ClinVar variation 969483 (VCV000969483.8), dbSNP rs770353140, ClinGen allele CA3070282.